The following is an entry in ClinVar:

NM_000548.5(TSC2):c.600-4G>T

Gene: TSC2 (TSC complex subunit 2; plus strand). Cytogenetic location: 16p13.3.
Variant type: single nucleotide variant.
Coding change: c.600-4G>T on transcript NM_000548.5 (MANE Select); 4 bases into the intron before coding-DNA position 600, G replaced by T.
Molecular consequence: intron variant.
Genome position (GRCh38, 1-based): chr16:2,056,192, G>T. VCF-style: chr16-2056192-G-T. GRCh37 (hg19) VCF-style: chr16-2106193-G-T.
Other names: c.600-4G>T (NM_001114382.3, NM_021055.3, NM_001370405.1 and 3 more transcripts); c.489-4G>T (NM_001318827.2); c.-1-4G>T (NM_001318831.2); c.453-4G>T (NM_001318829.2); c.633-4G>T (NM_001318832.2).
Identifiers: ClinVar variation 1631094 (VCV001631094.14), dbSNP rs976201466, ClinGen allele CA276772708.

ClinVar aggregate classification (germline): Conflicting classifications of pathogenicity. Review status: criteria provided, conflicting classifications (1 of 4 stars). 4 submissions from 4 submitters: Uncertain significance (1); Likely benign (3). Last evaluated 2025-05-08.

Conditions:
Hereditary cancer-predisposing syndrome. Also called: Hereditary Cancer Syndrome; Tumor predisposition; Neoplastic Syndromes, Hereditary; Hereditary neoplastic syndrome. Identifiers: Orphanet 140162, MedGen C0027672, MeSH D009386, MONDO:0015356.
Tuberous sclerosis syndrome (TSC). Also called: Tuberous Sclerosis Complex; Tuberous sclerosis. Identifiers: Orphanet 805, MedGen C0041341, MONDO:0001734.
Tuberous sclerosis 2 (TSC2). Identifiers: Orphanet 805, MedGen C1860707, MONDO:0013199, OMIM 613254.

Allele frequency attached by ClinVar (database versions not stated): TOPMed 0.00001.

Submissions (4):

Myriad Genetics, Inc.
Classification: Likely benign for Tuberous sclerosis 2. Last evaluated: 2025-05-08. Review status: criteria provided, single submitter. Criteria: Myriad Autosomal Dominant, Autosomal Recessive and X-Linked Classification Criteria (2023). Collection method: clinical testing. Allele origin: unknown.
Comment: This variant is considered likely benign. This variant is intronic and is not expected to impact mRNA splicing.

Labcorp Genetics (formerly Invitae), Labcorp
Classification: Likely benign for Tuberous sclerosis 2. Last evaluated: 2025-01-30. Review status: criteria provided, single submitter. Criteria: Invitae Variant Classification Sherloc (09022015). Collection method: clinical testing. Allele origin: germline.

All of Us Research Program, National Institutes of Health
Classification: Uncertain significance for Tuberous sclerosis syndrome. Last evaluated: 2023-10-06. Review status: criteria provided, single submitter. Criteria: ACMG Guidelines, 2015. Collection method: clinical testing. Allele origin: germline. Inheritance: Autosomal dominant inheritance. Observed: 1 variant allele, 1 heterozygote.
Comment: This variant causes a G to T nucleotide substitution at the -4 position of intron 6 of the TSC2 gene. To our knowledge, functional studies have not been reported for this variant. This variant has not been reported in individuals affected with tuberous sclerosis complex in the literature. This variant has not been identified in the general population by the Genome Aggregation Database (gnomAD). The available evidence is insufficient to determine the role of this variant in disease conclusively. Therefore, this variant is classified as a Variant of Uncertain Significance.

This study involves interpretation of variants in research participants for the purpose of population health screening. Participant phenotype was not available at the time of variant classification. Additional details can be found in publication PMID: 35346344, PMCID: PMC8962531

Ambry Genetics
Classification: Likely benign for Hereditary cancer-predisposing syndrome. Last evaluated: 2023-09-06. Review status: criteria provided, single submitter. Criteria: Ambry Variant Classification Scheme 2023. Collection method: clinical testing. Allele origin: germline.